The following is an entry in ClinVar:

NM_152564.5(VPS13B):c.8971A>G (p.Ile2991Val)

Gene: VPS13B (vacuolar protein sorting 13 homolog B; plus strand). Cytogenetic location: 8q22.2.
Variant type: single nucleotide variant.
Coding change: c.8971A>G on transcript NM_152564.5 (MANE Select); coding-DNA position 8971, A replaced by G.
Protein change: p.Ile2991Val; replaces isoleucine 2991 with valine.
Molecular consequence: missense variant.
Genome position (GRCh38, 1-based): chr8:99,820,099, A>G. VCF-style: chr8-99820099-A-G. GRCh37 (hg19) VCF-style: chr8-100832327-A-G.
Other names: c.9046A>G, p.Ile3016Val (NM_017890.5); short protein forms I2991V, I3016V.
Identifiers: ClinVar variation 4988121 (VCV004988121.1).

ClinVar aggregate classification (germline): Uncertain significance (1 of 4 stars; one submission).

Conditions:
VPS13B-related disorder. Also called: VPS13B-related condition.

gnomAD v4.1: 5 of 1,613,778 alleles (0.00031%); highest among the groups gnomAD compares: African/African-American, 0.0067%; no homozygotes.

Submission:

PreventionGenetics, part of Exact Sciences
Classification: Uncertain significance for VPS13B-related condition. Last evaluated: 2026-03-22. Review status: criteria provided, single submitter. Criteria: ACMG Guidelines, 2015. Collection method: clinical testing. Allele origin: germline.
Comment: The VPS13B c.8971A>G variant is predicted to result in the amino acid substitution p.Ile2991Val. To our knowledge, this variant has not been reported in the literature. This variant is reported in 0.012% of alleles in individuals of African descent in gnomAD. At this time, the clinical significance of this variant is uncertain due to the absence of conclusive functional and genetic evidence.